The following is an entry in ClinVar:

ClinVar aggregate classification (germline): Benign/Likely benign. Review status: criteria provided, multiple submitters, no conflicts (2 of 4 stars). 3 submissions from 3 submitters: Benign (1); Likely benign (1). 1 of the submissions does not count toward it. Last evaluated 2024-10-28.

Conditions:
THRA-related disorder. Also called: THRA-related condition.

Allele frequency attached by ClinVar (database versions not stated): ESP Exome Variant Server 0.00008; gnomAD 0.00024 and 0.00029; gnomAD exomes 0.00025 and 0.00045; TOPMed 0.00042; ExAC 0.00049; 1000 Genomes Project 30x 0.00156; 1000 Genomes Project 0.00160.
gnomAD v4.1: 477 of 1,614,090 alleles (0.03%); highest among the groups gnomAD compares: East Asian, 0.84%; 2 homozygotes.

Submissions (3):

Blueprint Genetics
Classification: Likely benign. Last evaluated: 2024-10-28. Review status: criteria provided, single submitter. Criteria: ACMG Guidelines, 2015. Collection method: clinical testing. Allele origin: germline.

Labcorp Genetics (formerly Invitae), Labcorp
Classification: Benign. Last evaluated: 2019-12-31. Review status: criteria provided, single submitter. Criteria: Invitae Variant Classification Sherloc (09022015). Collection method: clinical testing. Allele origin: germline.

PreventionGenetics, part of Exact Sciences
Classification: Benign for THRA-related condition. Last evaluated: 2019-09-06. Review status: no assertion criteria provided. Collection method: clinical testing. Allele origin: germline. Not counted in ClinVar's aggregate classification.
Comment: This variant is classified as benign based on ACMG/AMP sequence variant interpretation guidelines (Richards et al. 2015 PMID: 25741868, with internal and published modifications).

NM_199334.5(THRA):c.508A>G (p.Ile170Val)

Gene: THRA (thyroid hormone receptor alpha; plus strand). Cytogenetic location: 17q21.1.
Variant type: single nucleotide variant.
Coding change: c.508A>G on transcript NM_199334.5 (MANE Select); coding-DNA position 508, A replaced by G.
Protein change: p.Ile170Val; replaces isoleucine 170 with valine.
Molecular consequence: missense variant.
Genome position (GRCh38, 1-based): chr17:40,084,747, A>G. VCF-style: chr17-40084747-A-G. GRCh37 (hg19) VCF-style: chr17-38241000-A-G.
Other names: c.508A>G (NM_003250.5); c.508A>G, p.Ile170Val (NM_001190918.2, NM_001190919.2, NM_003250.6); short protein forms I170V.
Identifiers: ClinVar variation 738227 (VCV000738227.7), dbSNP rs118191745, ClinGen allele CA8539156.
Genomic context (GRCh38, chr17:40,084,747, plus strand): 5'-ATGATCCGATCACTGCAGCAGCGACCAGAGCCCACTCCTGAAGAGTGGGATCTGATCCAC[A>G]TTGCCACAGAGGCCCATCGCAGCACCAATGCCCAGGGCAGCCATTGGAAACAGAGGCGGA-3'
Protein context (NP_955366.1, residues 160-180): PTPEEWDLIH[Ile170Val]ATEAHRSTNA